The following is an entry in ClinVar:

ClinVar aggregate classification (germline): Conflicting classifications of pathogenicity. Review status: criteria provided, conflicting classifications (1 of 4 stars). 3 submissions from 3 submitters: Uncertain significance (2); Likely benign (1). Last evaluated 2025-06-25.

Conditions:
Polycystic liver disease 4 with or without kidney cysts. Identifiers: MedGen C4693479, MONDO:0044327, OMIM 617875.
Exudative vitreoretinopathy 4 (EVR4). Identifiers: Orphanet 891, MedGen C1866176, MONDO:0011151, OMIM 601813.
Osteoporosis with pseudoglioma (OPPG). Also called: osteoporosis-pseudoglioma syndrome. Identifiers: Orphanet 2788, MedGen C0432252, MONDO:0009820, OMIM 259770.
Worth disease. Also called: Autosomal dominant osteosclerosis, Worth type; OSTEOSCLEROSIS, AUTOSOMAL DOMINANT; ENDOSTEAL HYPEROSTOSIS, AUTOSOMAL DOMINANT. Identifiers: Orphanet 2790, MedGen C0432273, MONDO:0007764, OMIM 144750.
Bone mineral density quantitative trait locus 1 (BMND1). Identifiers: MedGen C1866079, OMIM 601884.
Autosomal dominant osteopetrosis 1 (OPTA1). Also called: OSTEOPETROSIS, AUTOSOMAL DOMINANT, TYPE I. Identifiers: Orphanet 2783, MedGen C1843330, MONDO:0011877, OMIM 607634.
LRP5-related disorder. Also called: LRP5-related condition.

Allele frequency attached by ClinVar (database versions not stated): gnomAD 0.00001; gnomAD exomes 0.00001; ExAC 0.00003; TOPMed 0.00003; ESP Exome Variant Server 0.00008.
gnomAD v4.1: 36 of 1,602,106 alleles (0.0022%); highest among the groups gnomAD compares: Middle Eastern, 0.02%; no homozygotes.

Submissions (3):

Labcorp Genetics (formerly Invitae), Labcorp
Classification: Uncertain significance. Last evaluated: 2025-06-25. Review status: criteria provided, single submitter. Criteria: Invitae Variant Classification Sherloc (09022015). Collection method: clinical testing. Allele origin: germline.
Comment: This sequence change falls in intron 15 of the LRP5 gene. It does not directly change the encoded amino acid sequence of the LRP5 protein. It affects a nucleotide within the consensus splice site. This variant is present in population databases (rs373992140, gnomAD 0.005%). This variant has not been reported in the literature in individuals affected with LRP5-related conditions. ClinVar contains an entry for this variant (Variation ID: 1488027). Variants that disrupt the consensus splice site are a relatively common cause of aberrant splicing (PMID: 17576681, 9536098). Algorithms developed to predict the effect of sequence changes on RNA splicing suggest that this variant is not likely to affect RNA splicing. In summary, the available evidence is currently insufficient to determine the role of this variant in disease. Therefore, it has been classified as a Variant of Uncertain Significance.

PreventionGenetics, part of Exact Sciences
Classification: Likely benign for LRP5-related condition. Last evaluated: 2025-03-05. Review status: criteria provided, single submitter. Criteria: ACMG Guidelines, 2015. Collection method: clinical testing. Allele origin: germline.
Comment: This variant is classified as likely benign based on ACMG/AMP sequence variant interpretation guidelines (Richards et al. 2015 PMID: 25741868, with internal and published modifications).

Fulgent Genetics
Classification: Uncertain significance for Worth disease; Osteoporosis with pseudoglioma; Exudative vitreoretinopathy 4; Bone mineral density quantitative trait locus 1; Autosomal dominant osteopetrosis 1; Polycystic liver disease 4 with or without kidney cysts. Last evaluated: 2024-02-12. Review status: criteria provided, single submitter. Criteria: ACMG Guidelines, 2015. Collection method: clinical testing. Allele origin: germline.

Literature cited by the submitters: PubMed 17576681 (cited by Labcorp Genetics (formerly Invitae), Labcorp); PubMed 9536098 (cited by Labcorp Genetics (formerly Invitae), Labcorp).

NM_002335.4(LRP5):c.3427+6C>T

Gene: LRP5 (LDL receptor related protein 5; plus strand). Cytogenetic location: 11q13.2.
Variant type: single nucleotide variant.
Coding change: c.3427+6C>T on transcript NM_002335.4 (MANE Select); 6 bases into the intron after coding-DNA position 3427, C replaced by T.
Molecular consequence: intron variant.
Genome position (GRCh38, 1-based): chr11:68,425,298, C>T. VCF-style: chr11-68425298-C-T. GRCh37 (hg19) VCF-style: chr11-68192766-C-T.
Other names: c.1684+6C>T (NM_001291902.2); c.3427+6C>T (NM_002335.3).
Identifiers: ClinVar variation 1488027 (VCV001488027.8), dbSNP rs373992140, ClinGen allele CA6149972.
Genomic context (GRCh38, chr11:68,425,298, plus strand): 5'-AAGCTGTTCTGGGTGGACGCGGACCTGAAGCGCATTGAGAGCTGTGACCTGTCAGGTACG[C>T]GCCCCGGGGCCTGCCCTAACCGCAGACACCCGGCCTTCATTGTCAGTAATGGCAGCAGCT-3'